The following is an entry in ClinVar:

NM_001135651.3(EIF2AK2):c.754A>G (p.Met252Val)

Gene: EIF2AK2 (eukaryotic translation initiation factor 2 alpha kinase 2; minus strand). Cytogenetic location: 2p22.2.
Variant type: single nucleotide variant.
Coding change: c.754A>G on transcript NM_001135651.3 (MANE Select); coding-DNA position 754, A replaced by G.
Protein change: p.Met252Val; replaces methionine 252 with valine.
Molecular consequence: missense variant.
Genome position (GRCh38, 1-based): chr2:37,135,515, T>C on the plus strand (A>G on the coding strand, the complement: EIF2AK2 is on the minus strand). VCF-style: chr2-37135515-T-C. GRCh37 (hg19) VCF-style: chr2-37362658-T-C.
Other names: c.754A>G, p.Met252Val (NM_001135652.3, NM_002759.4); short protein forms M252V.
Identifiers: ClinVar variation 2110325 (VCV002110325.7), dbSNP rs780589797, ClinGen allele CA1615201.

ClinVar aggregate classification (germline): Uncertain significance. Review status: criteria provided, multiple submitters, no conflicts (2 of 4 stars). 2 submissions from 2 submitters: Uncertain significance (2). Last evaluated 2025-05-07.

Conditions:
Inborn genetic diseases. Identifiers: MedGen C0950123, MeSH D030342.

Allele frequency attached by ClinVar (database versions not stated): ExAC 0.00001; gnomAD 0.00001; gnomAD exomes 0.00001; TOPMed 0.00001.

Submissions (2):

Ambry Genetics
Classification: Uncertain significance for Inborn genetic diseases. Last evaluated: 2025-05-07. Review status: criteria provided, single submitter. Criteria: Ambry Variant Classification Scheme 2023. Collection method: clinical testing. Allele origin: germline.

Labcorp Genetics (formerly Invitae), Labcorp
Classification: Uncertain significance. Last evaluated: 2023-05-15. Review status: criteria provided, single submitter. Criteria: Invitae Variant Classification Sherloc (09022015). Collection method: clinical testing. Allele origin: germline.
Comment: ClinVar contains an entry for this variant (Variation ID: 2110325). This variant has not been reported in the literature in individuals affected with EIF2AK2-related conditions. This variant is present in population databases (rs780589797, gnomAD 0.0009%). This sequence change replaces methionine, which is neutral and non-polar, with valine, which is neutral and non-polar, at codon 252 of the EIF2AK2 protein (p.Met252Val). Algorithms developed to predict the effect of missense changes on protein structure and function output the following: SIFT: "Not Available"; PolyPhen-2: "Benign"; Align-GVGD: "Not Available". The valine amino acid residue is found in multiple mammalian species, which suggests that this missense change does not adversely affect protein function. In summary, the available evidence is currently insufficient to determine the role of this variant in disease. Therefore, it has been classified as a Variant of Uncertain Significance.